The following is an entry in ClinVar:

NM_080680.3(COL11A2):c.29T>G (p.Leu10Arg)

Gene: COL11A2 (collagen type XI alpha 2 chain; minus strand). Cytogenetic location: 6p21.32.
Variant type: single nucleotide variant.
Coding change: c.29T>G on transcript NM_080680.3 (MANE Select); coding-DNA position 29, T replaced by G.
Protein change: p.Leu10Arg; replaces leucine 10 with arginine.
Molecular consequence: missense variant.
Genome position (GRCh38, 1-based): chr6:33,192,212, A>C on the plus strand (T>G on the coding strand, the complement: COL11A2 is on the minus strand). VCF-style: chr6-33192212-A-C. GRCh37 (hg19) VCF-style: chr6-33159989-A-C.
Other names: c.29T>G, p.Leu10Arg (NM_001163771.2, NM_080679.3, NM_080681.3); short protein forms L10R.
Identifiers: ClinVar variation 1482614 (VCV001482614.7), dbSNP rs2150637256, ClinGen allele CA363615030.

ClinVar aggregate classification (germline): Uncertain significance. Review status: criteria provided, multiple submitters, no conflicts (2 of 4 stars). 2 submissions from 2 submitters: Uncertain significance (2). Last evaluated 2024-09-26.

Conditions:
Autosomal dominant nonsyndromic hearing loss 13. Identifiers: Orphanet 90635, MedGen C1866095, MONDO:0011159, OMIM 601868.
Otospondylomegaepiphyseal dysplasia, autosomal dominant (OSMEDA). Also called: Stickler syndrome, type 3; COL11A2-Related Stickler Syndrome; Pierre Robin syndrome with fetal chondrodysplasia. Identifiers: Orphanet 166100, Orphanet 3450, MedGen C1848488, MONDO:0008490, OMIM 184840.
Otospondylomegaepiphyseal dysplasia, autosomal recessive (OSMEDB). Also called: Insley-Astley syndrome; CHONDRODYSTROPHY WITH SENSORINEURAL DEAFNESS. Identifiers: Orphanet 1427, MedGen CN034493, MONDO:0044206, OMIM 215150.
Fibrochondrogenesis 2 (FBCG2). Identifiers: Orphanet 2021, MedGen C3281128, MONDO:0013795, OMIM 614524.
Autosomal recessive nonsyndromic hearing loss 53. Identifiers: Orphanet 90636, MedGen C1864746, MONDO:0012333, OMIM 609706.

gnomAD v4.1: 1 of 1,565,388 alleles (0.000064%); highest among the groups gnomAD compares: South Asian, 0.0012%; no homozygotes.

Submissions (2):

Labcorp Genetics (formerly Invitae), Labcorp
Classification: Uncertain significance. Last evaluated: 2024-09-26. Review status: criteria provided, single submitter. Criteria: Invitae Variant Classification Sherloc (09022015). Collection method: clinical testing. Allele origin: germline.
Comment: This sequence change replaces leucine, which is neutral and non-polar, with arginine, which is basic and polar, at codon 10 of the COL11A2 protein (p.Leu10Arg). This variant is not present in population databases (gnomAD no frequency). This variant has not been reported in the literature in individuals affected with COL11A2-related conditions. ClinVar contains an entry for this variant (Variation ID: 1482614). Invitae Evidence Modeling of protein sequence and biophysical properties (such as structural, functional, and spatial information, amino acid conservation, physicochemical variation, residue mobility, and thermodynamic stability) indicates that this missense variant is not expected to disrupt COL11A2 protein function with a negative predictive value of 95%. In summary, the available evidence is currently insufficient to determine the role of this variant in disease. Therefore, it has been classified as a Variant of Uncertain Significance.

Fulgent Genetics
Classification: Uncertain significance for Otospondylomegaepiphyseal dysplasia, autosomal dominant; Otospondylomegaepiphyseal dysplasia, autosomal recessive; Autosomal dominant nonsyndromic hearing loss 13; Autosomal recessive nonsyndromic hearing loss 53; Fibrochondrogenesis 2. Last evaluated: 2024-02-05. Review status: criteria provided, single submitter. Criteria: ACMG Guidelines, 2015. Collection method: clinical testing. Allele origin: germline.